The following is an entry in ClinVar:

ClinVar aggregate classification (germline): Uncertain significance (1 of 4 stars; one submission).

Conditions:
Long QT syndrome (LQTS). Identifiers: MedGen C0023976, MeSH D008133, MONDO:0002442. Disease mechanism: loss of function. Inheritance: Various modes of inheritance.

Submission:

Labcorp Genetics (formerly Invitae), Labcorp
Classification: Uncertain significance for Long QT syndrome. Last evaluated: 2021-12-12. Review status: criteria provided, single submitter. Criteria: Invitae Variant Classification Sherloc (09022015). Collection method: clinical testing. Allele origin: germline.
Comment: In summary, the available evidence is currently insufficient to determine the role of this variant in disease. Therefore, it has been classified as a Variant of Uncertain Significance. This variant has not been reported in the literature in individuals affected with CACNA1C-related conditions. This sequence change replaces tyrosine, which is neutral and polar, with serine, which is neutral and polar, at codon 384 of the CACNA1C protein (p.Tyr384Ser). This variant is not present in population databases (gnomAD no frequency). Algorithms developed to predict the effect of missense changes on protein structure and function are either unavailable or do not agree on the potential impact of this missense change (SIFT: "Deleterious"; PolyPhen-2: "Probably Damaging"; Align-GVGD: "Class C0").

NM_000719.7(CACNA1C):c.1151A>C (p.Tyr384Ser)

Gene: CACNA1C (calcium voltage-gated channel subunit alpha1 C; plus strand). Cytogenetic location: 12p13.33.
Variant type: single nucleotide variant.
Coding change: c.1151A>C on transcript NM_000719.7 (MANE Select); coding-DNA position 1151, A replaced by C.
Protein change: p.Tyr384Ser; replaces tyrosine 384 with serine.
Molecular consequence: missense variant. On other transcripts: intron variant (4).
Genome position (GRCh38, 1-based): chr12:2,504,879, A>C. VCF-style: chr12-2504879-A-C. GRCh37 (hg19) VCF-style: chr12-2614045-A-C.
Other names: c.1151A>C, p.Tyr384Ser (NM_001129827.2, NM_001129829.2, NM_001129830.3 and 14 more transcripts); c.1142A>C, p.Tyr381Ser (NM_001129844.2); c.1217+340A>C (NM_001167624.3, NM_001167623.2, NM_001167625.2 and 1 more transcripts); short protein forms Y381S, Y384S.
Identifiers: ClinVar variation 2040685 (VCV002040685.4), dbSNP rs752205939, ClinGen allele CA383370886.